The following is an entry in ClinVar:

NM_000492.4(CFTR):c.2620-15C>G

Gene: CFTR (CF transmembrane conductance regulator; plus strand). Cytogenetic location: 7q31.2.
Variant type: single nucleotide variant.
Coding change: c.2620-15C>G on transcript NM_000492.4 (MANE Select); 15 bases into the intron before coding-DNA position 2620, C replaced by G.
Molecular consequence: intron variant.
Genome position (GRCh38, 1-based): chr7:117,602,811, C>G. VCF-style: chr7-117602811-C-G. GRCh37 (hg19) VCF-style: chr7-117242865-C-G.
Other names: 2752-15C/G; p.?.
Identifiers: ClinVar variation 35844 (VCV000035844.73), dbSNP rs139379077, ClinGen allele CA260218.
Genomic context (GRCh38, chr7:117,602,811, plus strand): 5'-GAATTTAGATGTGGGCATGGGAGGAATAGGTGAAGATGTTAGAAAAAAAATCAACTGTGT[C>G]TTGTTCCATTCCAGGTGGCTGCTTCTTTGGTTGTGCTGTGGCTCCTTGGAAAGTGAGTAT-3'

ClinVar aggregate classification (germline): Conflicting classifications of pathogenicity. Review status: criteria provided, conflicting classifications (1 of 4 stars). 17 submissions from 17 submitters: Uncertain significance (3); Benign (7); Likely benign (7). Last evaluated 2026-07-01.

Conditions:
CFTR-related disorder (CFTR-RD). Also called: CFTR-related disorders; CFTR-related condition. Identifiers: MedGen C5924204, MONDO:7770004.
Cystic fibrosis (CF). Also called: MUCOVISCIDOSIS. Identifiers: Orphanet 586, MedGen C0010674, MONDO:0009061, OMIM 219700. Disease mechanism: loss of function.
Hereditary pancreatitis (PCTT). Also called: PRSS1-Related Hereditary Pancreatitis; Hereditary chronic pancreatitis. Identifiers: Orphanet 676, MedGen C0238339, MONDO:0008185, OMIM 167800.

Allele frequency attached by ClinVar (database versions not stated): gnomAD exomes 0.00272; gnomAD 0.00211 and 0.00212; ESP Exome Variant Server 0.00231; 1000 Genomes Project 0.00140; TOPMed 0.00240; 1000 Genomes Project 30x 0.00109; ExAC 0.00257.
gnomAD v4.1: 3,097 of 1,613,194 alleles (0.19%); highest among the groups gnomAD compares: Middle Eastern, 3.3%; 26 homozygotes.

Submissions (17):

CeGaT Center for Human Genetics Tuebingen
Classification: Benign. Last evaluated: 2026-07-01. Review status: criteria provided, single submitter. Criteria: CeGaT Center For Human Genetics Tuebingen Variant Classification Criteria Version 2. Collection method: clinical testing. Allele origin: germline. Affected: yes. Observed: 22 variant alleles.
Comment: CFTR: BS1, BS2

Labcorp Genetics (formerly Invitae), Labcorp
Classification: Benign for Cystic fibrosis. Last evaluated: 2026-02-03. Review status: criteria provided, single submitter. Criteria: Invitae Variant Classification Sherloc (09022015). Collection method: clinical testing. Allele origin: germline.

PreventionGenetics, part of Exact Sciences
Classification: Likely benign for CFTR-related condition. Last evaluated: 2025-08-07. Review status: criteria provided, single submitter. Criteria: ACMG Guidelines, 2015. Collection method: clinical testing. Allele origin: germline.
Comment: This variant is classified as likely benign based on ACMG/AMP sequence variant interpretation guidelines (Richards et al. 2015 PMID: 25741868, with internal and published modifications).

ARUP Laboratories, Molecular Genetics and Genomics, ARUP Laboratories
Classification: Benign. Last evaluated: 2025-07-22. Review status: criteria provided, single submitter. Criteria: ARUP Molecular Germline Variant Investigation Process 2024. Collection method: clinical testing. Allele origin: germline.

Mayo Clinic Laboratories, Mayo Clinic
Classification: Likely benign. Last evaluated: 2025-03-25. Review status: criteria provided, single submitter. Criteria: ACMG Guidelines, 2015. Collection method: clinical testing. Allele origin: germline. Observed: 2 variant alleles.
Comment: BS1, BP4, BP7

Blueprint Genetics
Classification: Likely benign. Last evaluated: 2024-11-26. Review status: criteria provided, single submitter. Criteria: ACMG Guidelines, 2015. Collection method: clinical testing. Allele origin: germline.

Quest Diagnostics Nichols Institute San Juan Capistrano
Classification: Benign. Last evaluated: 2022-09-19. Review status: criteria provided, single submitter. Criteria: Quest Diagnostics criteria. Collection method: clinical testing. Allele origin: unknown.

Institute of Human Genetics, University of Leipzig Medical Center
Classification: Uncertain significance for Cystic fibrosis. Last evaluated: 2022-09-05. Review status: criteria provided, single submitter. Criteria: ACMG Guidelines, 2015. Collection method: curation. Allele origin: unknown. Affected: yes. Observed: 1 variant allele.
Comment: The variant was classified in the context of a project re-classifying variants in the German Cystic Fibrosis Registry (Muko.e.V.). Criteria applied: PM3, PP4, BS2

Genome-Nilou Lab
Classification: Likely benign for Cystic fibrosis. Last evaluated: 2021-07-22. Review status: criteria provided, single submitter. Criteria: ACMG Guidelines, 2015. Collection method: clinical testing. Allele origin: germline. Affected: no.

Johns Hopkins Genomics, Johns Hopkins University
Classification: Benign for Cystic fibrosis. Last evaluated: 2021-05-25. Review status: criteria provided, single submitter. Criteria: ACMG Guidelines, 2015. Collection method: clinical testing. Allele origin: germline.

Sema4
Classification: Likely benign for Hereditary pancreatitis. Last evaluated: 2021-04-04. Review status: criteria provided, single submitter. Criteria: Sema4 Curation Guidelines. Collection method: curation. Allele origin: germline.

GeneDx
Classification: Likely benign. Last evaluated: 2019-08-14. Review status: criteria provided, single submitter. Criteria: GeneDx Variant Classification Process June 2021. Collection method: clinical testing. Allele origin: germline. Affected: yes.
Comment: This variant is associated with the following publications: (PMID: 19017867, 20100616, 16251901, 16128988, 27264265, 9521595, 24272871, 9272157, 29174009, 25900089, 29807875, 28408918, 26500004, 28040058, 28546993, 27884173, 10875853, 15070876)

Mendelics
Classification: Likely benign for Cystic fibrosis. Last evaluated: 2019-05-28. Review status: criteria provided, single submitter. Criteria: Mendelics Assertion Criteria 2017. Collection method: clinical testing. Allele origin: unknown.

Illumina Laboratory Services, Illumina
Classification: Uncertain significance for CFTR-Related Disorders. Last evaluated: 2017-04-27. Review status: criteria provided, single submitter. Criteria: ICSL Variant Classification Criteria 13 December 2019. Collection method: clinical testing. Allele origin: germline.

Eurofins Ntd Llc (ga)
Classification: Benign. Last evaluated: 2016-11-29. Review status: criteria provided, single submitter. Criteria: EGL Classification Definitions 2015. Collection method: clinical testing. Allele origin: germline. Observed: 2 variant alleles, 2 heterozygotes.

Ambry Genetics
Classification: Benign for Cystic fibrosis. Last evaluated: 2014-11-26. Review status: criteria provided, single submitter. Criteria: Ambry Variant Classification Scheme 2023. Collection method: clinical testing. Allele origin: germline.

Women's Health and Genetics/Laboratory Corporation of America, LabCorp
Classification: Uncertain significance for Cystic Fibrosis. Last evaluated: 2011-08-18. Review status: criteria provided, single submitter. Criteria: LabCorp Variant Classification Summary - May 2015. Collection method: curation, clinical testing. Allele origin: germline. Inheritance: autosomal recessive. Affected: yes. Observed: 1 variant allele.
ClinVar note: Converted during submission from uncertain to Uncertain significance.

Literature cited by the submitters: PubMed 10875853 (cited by Quest Diagnostics Nichols Institute San Juan Capistrano); PubMed 26436105 (cited by Quest Diagnostics Nichols Institute San Juan Capistrano); PubMed 26500004 (cited by Quest Diagnostics Nichols Institute San Juan Capistrano); PubMed 25900089 (cited by Quest Diagnostics Nichols Institute San Juan Capistrano); PubMed 24272871 (cited by Quest Diagnostics Nichols Institute San Juan Capistrano); PubMed 27884173 (cited by Quest Diagnostics Nichols Institute San Juan Capistrano); PubMed 28546993 (cited by Quest Diagnostics Nichols Institute San Juan Capistrano); PubMed 28408918 (cited by Quest Diagnostics Nichols Institute San Juan Capistrano); PubMed 29807875 (cited by Quest Diagnostics Nichols Institute San Juan Capistrano); PubMed 29174009 (cited by Quest Diagnostics Nichols Institute San Juan Capistrano); PubMed 26656651 (cited by Quest Diagnostics Nichols Institute San Juan Capistrano); PubMed 9272157 (cited by Quest Diagnostics Nichols Institute San Juan Capistrano and Women's Health and Genetics/Laboratory Corporation of America, LabCorp).